The following is an entry in ClinVar:

NM_000156.6(GAMT):c.227C>T (p.Ser76Leu)

Gene: GAMT (guanidinoacetate N-methyltransferase; minus strand). Cytogenetic location: 19p13.3.
Variant type: single nucleotide variant.
Coding change: c.227C>T on transcript NM_000156.6 (MANE Select); coding-DNA position 227, C replaced by T.
Protein change: p.Ser76Leu; replaces serine 76 with leucine.
Molecular consequence: missense variant.
Genome position (GRCh38, 1-based): chr19:1,399,893, G>A on the plus strand (C>T on the coding strand, the complement: GAMT is on the minus strand). VCF-style: chr19-1399893-G-A. GRCh37 (hg19) VCF-style: chr19-1399892-G-A.
Other names: p.S76L:TCA>TTA; c.227C>T, p.Ser76Leu (NM_138924.3); short protein forms S76L.
Identifiers: ClinVar variation 195022 (VCV000195022.30), dbSNP rs150338273, ClinGen allele CA241294.

ClinVar aggregate classification (germline): Uncertain significance. Review status: criteria provided, multiple submitters, no conflicts (2 of 4 stars). 10 submissions from 10 submitters: Uncertain significance (9). 1 of the submissions does not count toward it. Last evaluated 2026-07-30.

Conditions:
Inborn genetic diseases. Identifiers: MedGen C0950123, MeSH D030342.
Cerebral creatine deficiency syndrome. Also called: Creatine deficiency syndromes. Identifiers: Orphanet 79172, MedGen C5244016, MONDO:0000456.
Deficiency of guanidinoacetate methyltransferase (CCDS2). Also called: CEREBRAL CREATINE DEFICIENCY SYNDROME 2; Guanidinoacetate Methyltransferase (GAMT) Deficiency; GAMT DEFICIENCY. Identifiers: Orphanet 382, MedGen C0574080, MONDO:0012999, OMIM 612736.

Allele frequency attached by ClinVar (database versions not stated): 1000 Genomes Project 30x 0.00016; gnomAD exomes 0.00025 and 0.00054; TOPMed 0.00030; gnomAD 0.00036 and 0.00037; ExAC 0.00041; ESP Exome Variant Server 0.00062.
gnomAD v4.1: 821 of 1,608,680 alleles (0.051%); highest among the groups gnomAD compares: Non-Finnish European, 0.067%; 3 homozygotes.

Submissions (10):

Ambry Genetics
Classification: Uncertain significance for Inborn genetic diseases. Last evaluated: 2026-07-30. Review status: criteria provided, single submitter. Criteria: Ambry Variant Classification Scheme 2023. Collection method: clinical testing. Allele origin: germline.
Comment: The c.227C>T (p.S76L) alteration is located in exon 2 (coding exon 2) of the GAMT gene. This alteration results from a C to T substitution at nucleotide position 227, causing the serine (S) at amino acid position 76 to be replaced by a leucine (L). Based on data from gnomAD, the T allele has an overall frequency of 0.027% (73/271298) total alleles studied. The highest observed frequency was 0.053% (66/123594) of European (non-Finnish) alleles. This amino acid position is not well conserved in available vertebrate species. Based on insufficient or conflicting evidence, the clinical significance of this alteration remains unclear.

Labcorp Genetics (formerly Invitae), Labcorp
Classification: Uncertain significance for Cerebral creatine deficiency syndrome. Last evaluated: 2026-02-02. Review status: criteria provided, single submitter. Criteria: Invitae Variant Classification Sherloc (09022015). Collection method: clinical testing. Allele origin: germline.
Comment: This sequence change replaces serine, which is neutral and polar, with leucine, which is neutral and non-polar, at codon 76 of the GAMT protein (p.Ser76Leu). This variant is present in population databases (rs150338273, gnomAD 0.05%). This variant has not been reported in the literature in individuals affected with GAMT-related conditions. ClinVar contains an entry for this variant (Variation ID: 195022). Invitae Evidence Modeling of protein sequence and biophysical properties (such as structural, functional, and spatial information, amino acid conservation, physicochemical variation, residue mobility, and thermodynamic stability) has been performed for this missense variant. However, the output from this modeling did not meet the statistical confidence thresholds required to predict the impact of this variant on GAMT protein function. Experimental studies have shown that this missense change does not substantially affect GAMT function (PMID: 26319512). In summary, the available evidence is currently insufficient to determine the role of this variant in disease. Therefore, it has been classified as a Variant of Uncertain Significance.

GeneDx
Classification: Uncertain significance. Last evaluated: 2025-09-18. Review status: criteria provided, single submitter. Criteria: GeneDx Variant Classification Process June 2021. Collection method: clinical testing. Allele origin: germline. Affected: yes.
Comment: Published functional studies demonstrate that S76L does not damage the protein function (PMID: 26319512); In silico analysis supports that this missense variant has a deleterious effect on protein structure/function; This variant is associated with the following publications: (PMID: 26003046, 26319512, 28758966)

Center for Genomics, Ann and Robert H. Lurie Children's Hospital of Chicago
Classification: Uncertain significance for Deficiency of guanidinoacetate methyltransferase. Last evaluated: 2021-03-30. Review status: criteria provided, single submitter. Criteria: ACMG Guidelines, 2015. Collection method: clinical testing. Allele origin: germline.
Comment: GAMT NM_000156.5 exon 2 p.Ser76Leu (c.227C>T): This variant has been reported in the literature in 1 individual, but without phenotype information (Mercimek-Mahmutoglu 2016 PMID:26319512). This variant is present in 0.05% (66/123594) of European alleles in the Genome Aggregation Database. This variant is present in ClinVar (Variation ID:195022). Evolutionary conservation suggests that this variant may not impact the protein; computational predictive tools for this variant are unclear. Functional studies suggest a benign effect of this variant. However, further studies are needed to understand its impact. In summary, data on this variant is insufficient for disease classification. Therefore, the clinical significance of this variant is uncertain.

Fulgent Genetics
Classification: Uncertain significance for Deficiency of guanidinoacetate methyltransferase. Last evaluated: 2018-10-31. Review status: criteria provided, single submitter. Criteria: ACMG Guidelines, 2015. Collection method: clinical testing. Allele origin: unknown.

Illumina Laboratory Services, Illumina
Classification: Uncertain significance for Deficiency of guanidinoacetate methyltransferase. Last evaluated: 2017-04-27. Review status: criteria provided, single submitter. Criteria: ICSL Variant Classification Criteria 13 December 2019. Collection method: clinical testing. Allele origin: germline.
Comment: This variant was observed as part of a predisposition screen in an ostensibly healthy population. A literature search was performed for the gene, cDNA change, and amino acid change (where applicable). Publications were found based on this search. However, the evidence from the literature, in combination with allele frequency data from public databases where available, was not sufficient to rule this variant in or out of causing disease. Therefore, this variant is classified as a variant of unknown significance.

Eurofins Ntd Llc (ga)
Classification: Uncertain significance. Last evaluated: 2017-04-05. Review status: criteria provided, single submitter. Criteria: EGL Classification Definitions 2015. Collection method: clinical testing. Allele origin: germline. Observed: 2 variant alleles, 2 heterozygotes.

Center for Pediatric Genomic Medicine, Children's Mercy Hospital and Clinics
Classification: Uncertain significance. Last evaluated: 2017-01-09. Review status: criteria provided, single submitter. Criteria: ACMG Guidelines, 2015. Collection method: clinical testing. Allele origin: germline.
ClinVar note: Converted during submission from Uncertain Significance to Uncertain significance.

Breakthrough Genomics
Classification: Uncertain significance. Review status: criteria provided, single submitter. Criteria: ACMG Guidelines, 2015. Collection method: not provided. Allele origin: germline. Inheritance: Autosomal recessive inheritance. Affected: yes.

Natera, Inc.
Classification: Uncertain significance for Guanidinoacetate methyltransferase deficiency. Last evaluated: 2020-01-17. Review status: no assertion criteria provided. Collection method: clinical testing. Allele origin: germline. Not counted in ClinVar's aggregate classification.

Literature cited by the submitters: PubMed 26003046 (cited by Ambry Genetics and Illumina Laboratory Services, Illumina); PubMed 26319512 (cited by 3 submitters); PubMed 28758966 (cited by Ambry Genetics).